The following is an entry in ClinVar:

ClinVar aggregate classification (germline): Uncertain significance. Review status: criteria provided, multiple submitters, no conflicts (2 of 4 stars). 2 submissions from 2 submitters: Uncertain significance (2). Last evaluated 2024-01-23.

Conditions:
Hereditary cancer-predisposing syndrome. Also called: Neoplastic Syndromes, Hereditary; Hereditary neoplastic syndrome; Hereditary Cancer Syndrome; Tumor predisposition. Identifiers: Orphanet 140162, MedGen C0027672, MeSH D009386, MONDO:0015356.
Gorlin syndrome. Also called: Nevoid Basal Cell Carcinoma Syndrome; Basal cell nevus syndrome. Identifiers: Orphanet 377, MedGen C0004779, MONDO:0007187.

Allele frequency attached by ClinVar (database versions not stated): gnomAD exomes below 0.00001.
gnomAD v4.1: 2 of 1,613,954 alleles (0.00012%); highest among the groups gnomAD compares: Non-Finnish European, 0.00017%; no homozygotes.

Submissions (2):

Ambry Genetics
Classification: Uncertain significance for Hereditary cancer-predisposing syndrome. Last evaluated: 2024-01-23. Review status: criteria provided, single submitter. Criteria: Ambry Variant Classification Scheme 2023. Collection method: clinical testing. Allele origin: germline.
Comment: The p.S640G variant (also known as c.1918A>G), located in coding exon 14 of the PTCH1 gene, results from an A to G substitution at nucleotide position 1918. The serine at codon 640 is replaced by glycine, an amino acid with similar properties. This amino acid position is conserved. In addition, the in silico prediction for this alteration is inconclusive. Based on the available evidence, the clinical significance of this alteration remains unclear.

Labcorp Genetics (formerly Invitae), Labcorp
Classification: Uncertain significance for Gorlin syndrome. Last evaluated: 2019-04-25. Review status: criteria provided, single submitter. Criteria: Invitae Variant Classification Sherloc (09022015). Collection method: clinical testing. Allele origin: germline.
Comment: Algorithms developed to predict the effect of missense changes on protein structure and function are either unavailable or do not agree on the potential impact of this missense change (SIFT: "Deleterious"; PolyPhen-2: "Benign"; Align-GVGD: "Class C0"). This sequence change replaces serine with glycine at codon 640 of the PTCH1 protein (p.Ser640Gly). The serine residue is moderately conserved and there is a small physicochemical difference between serine and glycine. This variant is not present in population databases (ExAC no frequency). This variant has not been reported in the literature in individuals with PTCH1-related conditions. In summary, the available evidence is currently insufficient to determine the role of this variant in disease. Therefore, it has been classified as a Variant of Uncertain Significance.

NM_000264.5(PTCH1):c.1918A>G (p.Ser640Gly)

Genes: PTCH1 (patched 1; minus strand), LOC100507346 (uncharacterized LOC100507346; plus strand). Cytogenetic location: 9q22.32.
Variant type: single nucleotide variant.
Coding change: c.1918A>G on transcript NM_000264.5 (MANE Select); coding-DNA position 1918, A replaced by G.
Protein change: p.Ser640Gly; replaces serine 640 with glycine.
Molecular consequence: missense variant. On other transcripts: non-coding transcript variant (2).
Genome position (GRCh38, 1-based): chr9:95,469,083, T>C on the plus strand (A>G on the coding strand, the complement: PTCH1 is on the minus strand). VCF-style: chr9-95469083-T-C. GRCh37 (hg19) VCF-style: chr9-98231365-T-C.
Other names: c.1720A>G, p.Ser574Gly (NM_001083602.3); c.1915A>G, p.Ser639Gly (NM_001083603.3); c.1465A>G, p.Ser489Gly (NM_001083604.3, NM_001083605.3, NM_001083606.3 and 1 more transcripts); c.1762A>G, p.Ser588Gly (NM_001354918.2); short protein forms S489G, S640G, S574G, S588G, S639G.
Identifiers: ClinVar variation 947929 (VCV000947929.11), dbSNP rs1840315398, ClinGen allele CA374116050.
Genomic context (GRCh38, chr9:95,469,083, plus strand): 5'-ACTGCATGGTAATCTGCGTTTCATGGGCAAAGCTGTGGCTGCTGTAGGGAGGTGGGGGGC[T>C]GTAGCGGGTATTGTCGTGTGTGTCGGTGTAGGCCTGAGGTTCAACCTGAATCACTCTGCT-3'
Protein context (NP_000255.2, residues 630-650): YTDTHDNTRY[Ser640Gly]PPPPYSSHSF